The following is an entry in ClinVar:

ClinVar aggregate classification (germline): Pathogenic (1 of 4 stars; one submission).

Submission:

Labcorp Genetics (formerly Invitae), Labcorp
Classification: Pathogenic. Last evaluated: 2022-07-01. Review status: criteria provided, single submitter. Criteria: Invitae Variant Classification Sherloc (09022015). Collection method: clinical testing. Allele origin: germline.
Comment: For these reasons, this variant has been classified as Pathogenic. A similar copy number variant has been observed in individual(s) with clinical features of Albinism (PMID: 29345414). This variant results in the deletion of exon 1 and part of exon 2 (c.-6839_534del) of the SLC45A2 gene. It is expected to result in an absent or disrupted protein product. Loss-of-function variants in SLC45A2 are known to be pathogenic (PMID: 21458243, 26573111).

Literature cited by the submitters: PubMed 29345414; PubMed 21458243; PubMed 26573111.

NC_000005.9:g.(?_33982368)_(33991527_?)del

Genes: AMACR (alpha-methylacyl-CoA racemase; minus strand), SLC45A2 (solute carrier family 45 member 2; minus strand). Cytogenetic location: 5p13.2.
Variant type: Deletion.
Identifiers: ClinVar variation 1460218 (VCV001460218.5).